The following is an entry in ClinVar:

ClinVar aggregate classification (germline): Likely benign. Review status: criteria provided, multiple submitters, no conflicts (2 of 4 stars). 2 submissions from 2 submitters: Likely benign (2). Last evaluated 2025-02-20.

Conditions:
Breast-ovarian cancer, familial, susceptibility to, 4. Identifiers: Orphanet 145, MedGen C3280345, MONDO:0013669, OMIM 614291.

Submissions (2):

Myriad Genetics, Inc.
Classification: Likely benign for Breast-ovarian cancer, familial, susceptibility to, 4. Last evaluated: 2025-02-20. Review status: criteria provided, single submitter. Criteria: Myriad Autosomal Dominant, Autosomal Recessive and X-Linked Classification Criteria (2023). Collection method: clinical testing. Allele origin: unknown.
Comment: This variant is considered likely benign. This variant is intronic and is not expected to impact mRNA splicing.

Labcorp Genetics (formerly Invitae), Labcorp
Classification: Likely benign for Breast-ovarian cancer, familial, susceptibility to, 4. Last evaluated: 2019-12-11. Review status: criteria provided, single submitter. Criteria: Invitae Variant Classification Sherloc (09022015). Collection method: clinical testing. Allele origin: germline.

NM_002878.4(RAD51D):c.145-9C>T

Genes: RAD51D (RAD51 paralog D; minus strand), RAD51L3-RFFL (RAD51L3-RFFL readthrough; minus strand). Cytogenetic location: 17q12.
Variant type: single nucleotide variant.
Coding change: c.145-9C>T on transcript NM_002878.4 (MANE Select); 9 bases into the intron before coding-DNA position 145, C replaced by T.
Molecular consequence: intron variant.
Genome position (GRCh38, 1-based): chr17:35,118,628, G>A on the plus strand (C>T on the coding strand, the complement: RAD51D is on the minus strand). VCF-style: chr17-35118628-G-A. GRCh37 (hg19) VCF-style: chr17-33445647-G-A.
Other names: c.144+483C>T (NM_133629.3, NM_001142571.2).
Identifiers: ClinVar variation 472590 (VCV000472590.11), dbSNP rs1555570311, ClinGen allele CA658656598.